The following is an entry in ClinVar:

ClinVar aggregate classification (germline): Likely benign (0 of 4 stars; one submission).

Conditions:
TTC8-related disorder. Also called: TTC8-related condition.

gnomAD v4.1: 6 of 1,612,954 alleles (0.00037%); highest among the groups gnomAD compares: Non-Finnish European, 0.00042%; no homozygotes.

Submission:

PreventionGenetics, part of Exact Sciences
Classification: Likely benign for TTC8-related condition. Last evaluated: 2022-10-21. Review status: no assertion criteria provided. Collection method: clinical testing. Allele origin: germline.
Comment: This variant is classified as likely benign based on ACMG/AMP sequence variant interpretation guidelines (Richards et al. 2015 PMID: 25741868, with internal and published modifications).

NM_144596.4(TTC8):c.693T>C (p.Ile231=)

Gene: TTC8 (tetratricopeptide repeat domain 8; plus strand). Cytogenetic location: 14q31.3.
Variant type: single nucleotide variant.
Coding change: c.693T>C on transcript NM_144596.4 (MANE Select); coding-DNA position 693, T replaced by C.
Protein change: p.Ile231=; no amino-acid change (isoleucine 231 retained).
Molecular consequence: synonymous variant. On other transcripts: 5 prime UTR variant (1), non-coding transcript variant (1).
Genome position (GRCh38, 1-based): chr14:88,853,039, T>C. VCF-style: chr14-88853039-T-C. GRCh37 (hg19) VCF-style: chr14-89319383-T-C.
Other names: c.741T>C, p.Ile247= (NM_001288781.1); c.99T>C, p.Ile33= (NM_001288782.1); c.-25T>C (NM_001288783.1); c.663T>C, p.Ile221= (NM_001366535.2, NM_198309.3); c.573T>C, p.Ile191= (NM_001366536.2, NM_198310.3).
Identifiers: ClinVar variation 3354066 (VCV003354066.1).